The following is an entry in ClinVar:

NM_001098511.3(KIF2A):c.1750T>G (p.Ser584Ala)

Gene: KIF2A (kinesin family member 2A; plus strand). Cytogenetic location: 5q12.1.
Variant type: single nucleotide variant.
Coding change: c.1750T>G on transcript NM_001098511.3 (MANE Select); coding-DNA position 1750, T replaced by G.
Protein change: p.Ser584Ala; replaces serine 584 with alanine.
Molecular consequence: missense variant. On other transcripts: intron variant (3).
Genome position (GRCh38, 1-based): chr5:62,372,541, T>G. VCF-style: chr5-62372541-T-G. GRCh37 (hg19) VCF-style: chr5-61668368-T-G.
Other names: c.1566-1146T>G (NM_001243952.2); c.1647-1146T>G (NM_004520.5); c.1590-1146T>G (NM_001243953.2); short protein forms S584A.
Identifiers: ClinVar variation 1302206 (VCV001302206.2), dbSNP rs2111983205, ClinGen allele CA359952342.

ClinVar aggregate classification (germline): Uncertain significance (1 of 4 stars; one submission).

Submission:

GeneDx
Classification: Uncertain significance. Last evaluated: 2019-06-29. Review status: criteria provided, single submitter. Criteria: GeneDx Variant Classification Process June 2021. Collection method: clinical testing. Allele origin: germline. Affected: yes.
Comment: Not observed in large population cohorts (Lek et al., 2016); In silico analysis, which includes protein predictors and evolutionary conservation, supports that this variant does not alter protein structure/function; Has not been previously published as pathogenic or benign to our knowledge